The following is an entry in ClinVar:

NM_001318852.2(MAPK8IP3):c.1735C>T (p.Arg579Cys)

Gene: MAPK8IP3 (mitogen-activated protein kinase 8 interacting protein 3; plus strand). Cytogenetic location: 16p13.3.
Variant type: single nucleotide variant.
Coding change: c.1735C>T on transcript NM_001318852.2 (MANE Select); coding-DNA position 1735, C replaced by T.
Protein change: p.Arg579Cys; replaces arginine 579 with cysteine.
Molecular consequence: missense variant.
Genome position (GRCh38, 1-based): chr16:1,762,843, C>T. VCF-style: chr16-1762843-C-T. GRCh37 (hg19) VCF-style: chr16-1812844-C-T.
Other names: c.1735C>T (NM_001318852.1); c.1714C>T, p.Arg572Cys (NM_001040439.2); c.1732C>T, p.Arg578Cys (NM_015133.5); short protein forms R578C, R572C, R579C.
Identifiers: ClinVar variation 632564 (VCV000632564.26), dbSNP rs1567203083, ClinGen allele CA394232645.

ClinVar aggregate classification (germline): Pathogenic/Likely pathogenic. Review status: criteria provided, multiple submitters, no conflicts (2 of 4 stars). 14 submissions from 14 submitters: Pathogenic (9); Likely pathogenic (2). 3 of the submissions do not count toward it. Last evaluated 2025-09-23.

Conditions:
Neurodevelopmental disorder with or without variable brain abnormalities; NEDBA. Also called: NEURODEVELOPMENTAL DISORDER WITH OR WITHOUT VARIABLE BRAIN ABNORMALITIES. Identifiers: MedGen C5193102, MONDO:0032755, OMIM 618443.
Agenesis of cerebral white matter. Also called: Cerebral white matter agenesis. Identifiers: MedGen C1859969, MONDO:0008739, OMIM 202600, HP:0200017.
Neurodevelopmental disorder. Identifiers: MedGen C1535926, MeSH D065886, MONDO:0700092.
Inborn genetic diseases. Identifiers: MedGen C0950123, MeSH D030342.

Submissions (14):

Ambry Genetics
Classification: Pathogenic for Inborn genetic diseases. Last evaluated: 2025-09-23. Review status: criteria provided, single submitter. Criteria: Ambry Variant Classification Scheme 2023. Collection method: clinical testing. Allele origin: germline.
Comment: The c.1732C>T (p.R578C) alteration is located in exon 16 (coding exon 16) of the MAPK8IP3 gene. This alteration results from a C to T substitution at nucleotide position 1732, causing the arginine (R) at amino acid position 578 to be replaced by a cysteine (C). This variant was not reported in population-based cohorts in the Genome Aggregation Database (gnomAD). This variant was reported in individual(s) with features consistent with MAPK8IP3-related neurodevelopmental disorder; in at least one individual, it was determined to be de novo (Iwasawa, 2019; Platzer, 2019; Schmidt, 2024; Laurie, 2025). This amino acid position is highly conserved in available vertebrate species. This alteration is predicted to be deleterious by in silico analysis. Based on the available evidence, this alteration is classified as pathogenic.

3billion
Classification: Pathogenic for Neurodevelopmental disorder with or without variable brain abnormalities; NEDBA. Last evaluated: 2024-12-30. Review status: criteria provided, single submitter. Criteria: ACMG Guidelines, 2015. Collection method: clinical testing. Allele origin: germline. Affected: yes.
Comment: The variant is not observed in the gnomAD v4.1.0 dataset. Predicted Consequence/Location: Missense variant Functional studies provide moderate evidence of the variant having a damaging effect on the gene or gene product (PMID: 30945334). In silico tool predictions suggest damaging effect of the variant on gene or gene product [REVEL: 0.68 (>=0.6, sensitivity 0.68 and specificity 0.92); 3Cnet: 0.87 (>=0.6, sensitivity 0.72 and precision 0.9)]. The same nucleotide change resulting in the same amino acid change has been previously reported as pathogenic/likely pathogenic with strong evidence (ClinVar ID: VCV000632564 /PMID: 30945334 /3billion dataset). The variant has been previously reported as de novo in at least two similarly affected unrelated individuals (PMID: 30612693, 30945334). The variant has been observed in multiple (>3) similarly affected unrelated individuals (PMID: 30612693, 30945334). The variant has been previously reported as assumed (i.e. paternity and maternity not confirmed) de novo in at least one similarly affected unrelated individual (3billion dataset). Therefore, this variant is classified as Pathogenic according to the recommendation of ACMG/AMP guideline.

GeneDx
Classification: Pathogenic. Last evaluated: 2024-03-10. Review status: criteria provided, single submitter. Criteria: GeneDx Variant Classification Process June 2021. Collection method: clinical testing. Allele origin: germline. Affected: yes.
Comment: Published functional studies demonstrate a damaging effect suggesting adverse effect on the developing axon (PMID: 30945334); Not observed at significant frequency in large population cohorts (gnomAD); This variant is associated with the following publications: (PMID: 30612693, 30945334, 36066546, 35982159, 33057194)

AURAGEN, Plan France Médecine Génomique
Classification: Pathogenic for Agenesis of cerebral white matter. Last evaluated: 2022-02-22. Review status: criteria provided, single submitter. Criteria: PFMG2025 (Lancet Reg Health Eur. 2025). Collection method: clinical testing. Allele origin: germline. Affected: yes.

Illumina Laboratory Services, Illumina
Classification: Pathogenic for Neurodevelopmental disorder with or without variable brain abnormalities; NEDBA. Last evaluated: 2021-03-25. Review status: criteria provided, single submitter. Criteria: ICSLVariantClassificationCriteria RUGD 01 April 2020. Collection method: clinical testing. Allele origin: unknown.
Comment: The MAPK8IP3 c.1732C>T (p.Arg578Cys) variant is a missense variant that has been reported in five individuals, including two siblings, all with neurodevelopmental phenotypes including hypoplasia of the corpus callosum, intellectual disability, developmental delays, short stature, white matter abnormalities, language delays, and spasticity. Seizures, microcephaly, facial features including a round face and thin upper lip, and obesity were also noted in some of the individuals (Iwasawa et al. 2019; Platzer et al. 2019). The p.Arg578Cys variant occurred de novo in all cases including the two siblings, suggesting possible germline mosaicism in a parent. In a zebrafish model, expression of the p.Arg578Cys variant protein showed axon varicosities while wild type axons had a smooth surface, suggesting a negative effect on axon development (Iwasawa et al. 2019). The p.Arg578Cys variant is absent from the Genome Aggregation Database in a region of good sequence coverage, so the variant is presumed to be rare. Based on the collective evidence, the p.Arg578Cys variant is classified as pathogenic for MAPK8IP3-related neurodevelopmental disorder.

Victorian Clinical Genetics Services, Murdoch Childrens Research Institute
Classification: Pathogenic for Neurodevelopmental disorder. Last evaluated: 2020-05-26. Review status: criteria provided, single submitter. Criteria: ACMG Guidelines, 2015. Collection method: clinical testing. Allele origin: germline. Inheritance: Autosomal dominant inheritance. Affected: yes.
Comment: Based on the classification scheme VCGS_Germline_v1.1.1, this variant is classified as pathogenic. Following criteria are met: 0102 - Loss-of-function is a known mechanism of disease for this gene. (N) 0107 - This gene is known to be associated with autosomal dominant disease. (N) 0200 - Variant is predicted to result in a missense amino acid change from arginine to cysteine (exon 16). (N) 0251 - Variant is heterozygous. (N) 0301 - Variant is absent from gnomAD. (P) 0309 - An alternative amino acid change at the same position has been observed in gnomAD (1 heterozygote, 0 homozygotes). (N) 0501 - Missense variant consistently predicted to be damaging by multiple in silico tools or highly conserved with a major amino acid change. (P) 0600 - Variant is located in an annotated domain or motif, (RH2 domain; PDB). (N) 0705 - No comparable variants have previous evidence for pathogenicity. (N) 0801 - Strong previous evidence of pathogenicity in multiple de novo, unrelated individuals with a neurological syndrome or intellectual disability (ClinVar, Decipher, PMID: 30612693, PMID: 30945334). (P) 0905 - No segregation evidence has been identified for this variant. (N) 1002 - Moderate functional evidence supporting abnormal protein function. Zebrafish transfected with mutant protein displayed abnormal axons (PMID: 30945334). (P) 1208 - Inheritance information for this variant is not currently available. (N) Legend: (P) - Pathogenic, (N) - Neutral, (B) - Benign

CENTOGENE GmbH and LLC - Guiding Precision Medicine
Classification: Pathogenic for Neurodevelopmental disorder with or without variable brain abnormalities; NEDBA. Last evaluated: 2019-10-25. Review status: criteria provided, single submitter. Criteria: ACMG Guidelines, 2015. Collection method: clinical testing. Allele origin: germline. Affected: yes.

SIB Swiss Institute of Bioinformatics
Classification: Likely pathogenic for Neurodevelopmental disorder with or without variable brain abnormalities; NEDBA. Last evaluated: 2019-10-02. Review status: criteria provided, single submitter. Criteria: ACMG Guidelines, 2015. Collection method: curation. Allele origin: unknown.
Comment: This variant is interpreted as a Likely pathogenic for Neurodevelopmental disorder with or without variable brain abnormalities, autosomal dominant. The following ACMG Tag(s) were applied: PM2, PM6, PP3, PS3-Moderate, PS4-Supporting.

Equipe Genetique des Anomalies du Developpement, Université de Bourgogne
Classification: Pathogenic for Neurodevelopmental disorder with or without variable brain abnormalities; NEDBA. Last evaluated: 2019-08-21. Review status: criteria provided, single submitter. Criteria: ACMG Guidelines, 2015. Collection method: research. Allele origin: de novo. Affected: yes.

Institute of Human Genetics Munich, TUM University Hospital
Classification: Pathogenic for Neurodevelopmental disorder with or without variable brain abnormalities; NEDBA. Last evaluated: 2019-07-03. Review status: criteria provided, single submitter. Criteria: Classification criteria August 2017. Collection method: clinical testing. Allele origin: de novo. Inheritance: Autosomal dominant inheritance. Affected: yes. Observed: 1 heterozygote.

Institute of Human Genetics, University of Leipzig Medical Center
Classification: Likely pathogenic for Neurodevelopmental disorder with or without variable brain abnormalities; NEDBA. Last evaluated: 2019-02-07. Review status: criteria provided, single submitter. Criteria: ACMG Guidelines, 2015. Collection method: clinical testing. Allele origin: de novo. Affected: yes.
Comment: This variant was identified as de novo (maternity and paternity confirmed).

Solve-RD Consortium
Classification: Likely pathogenic for Neurodevelopmental disorder with or without variable brain abnormalities; NEDBA. Last evaluated: 2022-06-01. Review status: no assertion criteria provided. Collection method: provider interpretation. Allele origin: inherited. Affected: yes. Not counted in ClinVar's aggregate classification.
Comment: Variant confirmed as disease-causing by referring clinical team

Variant identified during reanalysis of unsolved cases by the Solve-RD project. The Solve-RD project has received funding from the European Union’s Horizon 2020 research and innovation programme under grant agreement No 779257.

Clinical Genomics Laboratory, Stanford Medicine
Classification: Pathogenic for Neurodevelopmental disorder with or without variable brain abnormalities; NEDBA. Last evaluated: 2020-01-10. Review status: no assertion criteria provided. Collection method: clinical testing. Allele origin: germline. Inheritance: Autosomal dominant inheritance. Affected: yes. Not counted in ClinVar's aggregate classification.
Comment: The p.Arg578Cys variant in the MAPK8IP3 gene has been previously reported de novo in 5 individuals from 4 families with features consistent with neurodevelopmental disorder with or without variable brain abnormalities (Iwasawa et al., 2019; Platzer et al., 2019). This variant was absent from large population databases, including the Genome Aggregation Database. Computational tools predict that the p.Arg578Cys variant is deleterious; however, the accuracy of in silico algorithms is limited. These data were assessed using the ACMG/AMP variant interpretation guidelines. In summary, there is sufficient evidence to classify the p.Arg578Cys variant as pathogenic for autosomal dominant neurodevelopmental disorder with or without variable brain abnormalities based on the information above. [ACMG evidence codes used: PS2_verystrong; PM2; PP3]

OMIM
Classification: Pathogenic for NEURODEVELOPMENTAL DISORDER WITH VARIABLE BRAIN ABNORMALITIES. Last evaluated: 2019-05-23. Review status: no assertion criteria provided. Collection method: literature only. Allele origin: germline. Not counted in ClinVar's aggregate classification.

Literature cited by the submitters: PubMed 30612693 (cited by 7 submitters); PubMed 30945334 (cited by 6 submitters); PubMed 39039281 (cited by Ambry Genetics); PubMed 39825153 (cited by Ambry Genetics and Solve-RD Consortium).